The following is an entry in ClinVar:

ClinVar aggregate classification (germline): Likely benign. Review status: reviewed by expert panel (3 of 4 stars). 10 submissions from 10 submitters: Likely benign (1). 9 of the submissions do not count toward it. Last evaluated 2025-11-04.

Conditions:
Hereditary von Willebrand disease. Identifiers: Orphanet 903, MedGen C5703318, MONDO:0019565. Inheritance: Autosomal recessive or Autosomal dominant.
VWF-related disorder. Also called: VWF-related condition; VWF-related disorders.

Allele frequency attached by ClinVar (database versions not stated): 1000 Genomes Project 30x 0.00047; 1000 Genomes Project 0.00060; TOPMed 0.00218; ExAC 0.00220; gnomAD exomes 0.00230 and 0.00391; gnomAD 0.00233 and 0.00241; ESP Exome Variant Server 0.00338.
gnomAD v4.1: 5,960 of 1,614,186 alleles (0.37%); highest among the groups gnomAD compares: Non-Finnish European, 0.48%; 21 homozygotes.

Submissions (10):

ClinGen von Willebrand Disease Variant Curation Expert Panel, ClinGen
Classification: Likely benign for Hereditary von Willebrand disease. Last evaluated: 2025-11-04. Review status: reviewed by expert panel. Criteria: ClinGen VWD 2A B M Rules. Collection method: curation. Allele origin: germline.
Comment: The NM_000552.5:c.114C>T (p.Phe38=) variant is a synonymous variant that is not predicted by SpliceAI to impact splicing (BP4 & BP7). The case is asserted to be VWD 3 which is typically a biallelic variant but there is not a second variant in this case curated pathogenic (PMID 16321553). Additionally, there are 8 submissions to ClinVar for this variant but for the submissions indicating affected status as yes, all classify the variant as likely benign. In summary, this variant meets the criteria to be classified as likely benign for hereditary von Willebrand disease based on the ACMG/AMP criteria applied, as specified by the ClinGen VWD VCEP: BP4, BP7 (VWD VCEP specifications v1l)

CeGaT Center for Human Genetics Tuebingen
Classification: Likely benign. Last evaluated: 2026-07-01. Review status: criteria provided, single submitter. Criteria: CeGaT Center For Human Genetics Tuebingen Variant Classification Criteria Version 2. Collection method: clinical testing. Allele origin: germline. Affected: yes. Observed: 9 variant alleles. Not counted in ClinVar's aggregate classification.
Comment: VWF: BP4, BP7, BS2

Quest Diagnostics Nichols Institute San Juan Capistrano
Classification: Likely benign. Last evaluated: 2025-11-07. Review status: criteria provided, single submitter. Criteria: Quest Diagnostics criteria. Collection method: clinical testing. Allele origin: unknown. Not counted in ClinVar's aggregate classification.

Mayo Clinic Laboratories, Mayo Clinic
Classification: Likely benign. Last evaluated: 2025-10-15. Review status: criteria provided, single submitter. Criteria: ACMG Guidelines, 2015. Collection method: clinical testing. Allele origin: germline. Observed: 3 variant alleles. Not counted in ClinVar's aggregate classification.

Blueprint Genetics
Classification: Likely benign. Last evaluated: 2024-11-13. Review status: criteria provided, single submitter. Criteria: ACMG Guidelines, 2015. Collection method: clinical testing. Allele origin: germline. Not counted in ClinVar's aggregate classification.

ARUP Laboratories, Molecular Genetics and Genomics, ARUP Laboratories
Classification: Likely benign. Last evaluated: 2024-05-14. Review status: criteria provided, single submitter. Criteria: ARUP Molecular Germline Variant Investigation Process 2024. Collection method: clinical testing. Allele origin: germline. Not counted in ClinVar's aggregate classification.

Genetic Services Laboratory, University of Chicago
Classification: Likely benign. Last evaluated: 2016-12-29. Review status: criteria provided, single submitter. Criteria: ACMG Guidelines, 2015. Collection method: clinical testing. Allele origin: germline. Affected: no. Not counted in ClinVar's aggregate classification.

PreventionGenetics, part of Exact Sciences
Classification: Likely benign for VWF-related condition. Last evaluated: 2019-12-06. Review status: no assertion criteria provided. Collection method: clinical testing. Allele origin: germline. Not counted in ClinVar's aggregate classification.
Comment: This variant is classified as likely benign based on ACMG/AMP sequence variant interpretation guidelines (Richards et al. 2015 PMID: 25741868, with internal and published modifications).

Clinical Genetics DNA and cytogenetics Diagnostics Lab, Erasmus MC, Erasmus Medical Center
Classification: Likely benign. Review status: no assertion criteria provided. Collection method: clinical testing. Allele origin: germline. Affected: yes. Study: VKGL Data-share Consensus. Not counted in ClinVar's aggregate classification.

Joint Genome Diagnostic Labs from Nijmegen and Maastricht, Radboudumc and MUMC+
Classification: Likely benign. Review status: no assertion criteria provided. Collection method: clinical testing. Allele origin: germline. Affected: yes. Study: VKGL Data-share Consensus. Not counted in ClinVar's aggregate classification.

Literature cited by the submitters: PubMed 16321553 (cited by Quest Diagnostics Nichols Institute San Juan Capistrano); PubMed 23216583 (cited by Quest Diagnostics Nichols Institute San Juan Capistrano); PubMed 23690449 (cited by Quest Diagnostics Nichols Institute San Juan Capistrano).

NM_000552.5(VWF):c.114C>T (p.Phe38=)

Gene: VWF (von Willebrand factor; minus strand). Cytogenetic location: 12p13.31.
Variant type: single nucleotide variant.
Coding change: c.114C>T on transcript NM_000552.5 (MANE Select); coding-DNA position 114, C replaced by T.
Protein change: p.Phe38=; no amino-acid change (phenylalanine 38 retained).
Molecular consequence: synonymous variant.
Genome position (GRCh38, 1-based): chr12:6,121,280, G>A on the plus strand (C>T on the coding strand, the complement: VWF is on the minus strand). VCF-style: chr12-6121280-G-A. GRCh37 (hg19) VCF-style: chr12-6230446-G-A.
Other names: p.Phe38=; NM_000552.5(VWF):c.114C>T.
Identifiers: ClinVar variation 310090 (VCV000310090.62), dbSNP rs2229443, ClinGen allele CA6403892.